The following is an entry in ClinVar:

ClinVar aggregate classification (germline): Uncertain significance (1 of 4 stars; one submission).

Submission:

GeneDx
Classification: Uncertain significance. Last evaluated: 2022-12-16. Review status: criteria provided, single submitter. Criteria: GeneDx Variant Classification Process June 2021. Collection method: clinical testing. Allele origin: germline. Affected: yes.
Comment: Not observed at significant frequency in large population cohorts (gnomAD); In silico analysis supports that this missense variant has a deleterious effect on protein structure/function; Has not been previously published as pathogenic or benign to our knowledge

NM_000254.3(MTR):c.547C>G (p.Leu183Val)

Gene: MTR (5-methyltetrahydrofolate-homocysteine methyltransferase; plus strand). Cytogenetic location: 1q43.
Variant type: single nucleotide variant.
Coding change: c.547C>G on transcript NM_000254.3 (MANE Select); coding-DNA position 547, C replaced by G.
Protein change: p.Leu183Val; replaces leucine 183 with valine.
Molecular consequence: missense variant. On other transcripts: 5 prime UTR variant (1).
Genome position (GRCh38, 1-based): chr1:236,812,782, C>G. VCF-style: chr1-236812782-C-G. GRCh37 (hg19) VCF-style: chr1-236976082-C-G.
Other names: c.547C>G, p.Leu183Val (NM_001291939.1, NM_001410942.1); c.-562C>G (NM_001291940.2); short protein forms L183V.
Identifiers: ClinVar variation 2505864 (VCV002505864.1), dbSNP rs2527888937, ClinGen allele CA345384257.
Genomic context (GRCh38, chr1:236,812,782, plus strand): 5'-GATTTATTTTTTGCAGCATTTGATGAGCTTGTTGAAGCATACCAAGAGCAGGCCAAAGGA[C>G]TTCTGGATGGCGGGGTTGATATCTTACTCATTGAAACTATTTTTGATACTGCCAATGCCA-3'
Protein context (NP_000245.2, residues 173-193): VEAYQEQAKG[Leu183Val]LDGGVDILLI